The following is an entry in ClinVar:

ClinVar aggregate classification (germline): Uncertain significance (1 of 4 stars; one submission).

gnomAD v4.1: 97 of 1,614,102 alleles (0.006%); highest among the groups gnomAD compares: Non-Finnish European, 0.0079%; no homozygotes.

Submission:

Labcorp Genetics (formerly Invitae), Labcorp
Classification: Uncertain significance. Last evaluated: 2022-08-23. Review status: criteria provided, single submitter. Criteria: Invitae Variant Classification Sherloc (09022015). Collection method: clinical testing. Allele origin: germline.
Comment: This sequence change replaces serine, which is neutral and polar, with phenylalanine, which is neutral and non-polar, at codon 252 of the TNFSF11 protein (p.Ser252Phe). This variant is present in population databases (rs199503199, gnomAD 0.002%). This variant has not been reported in the literature in individuals affected with TNFSF11-related conditions. ClinVar contains an entry for this variant (Variation ID: 1449979). Algorithms developed to predict the effect of missense changes on protein structure and function (SIFT, PolyPhen-2, Align-GVGD) all suggest that this variant is likely to be tolerated. In summary, the available evidence is currently insufficient to determine the role of this variant in disease. Therefore, it has been classified as a Variant of Uncertain Significance.

NM_003701.4(TNFSF11):c.755C>T (p.Ser252Phe)

Gene: TNFSF11 (TNF superfamily member 11; plus strand). Cytogenetic location: 13q14.11.
Variant type: single nucleotide variant.
Coding change: c.755C>T on transcript NM_003701.4 (MANE Select); coding-DNA position 755, C replaced by T.
Protein change: p.Ser252Phe; replaces serine 252 with phenylalanine.
Molecular consequence: missense variant.
Genome position (GRCh38, 1-based): chr13:42,606,719, C>T. VCF-style: chr13-42606719-C-T. GRCh37 (hg19) VCF-style: chr13-43180855-C-T.
Other names: c.536C>T, p.Ser179Phe (NM_033012.4); short protein forms S252F, S179F.
Identifiers: ClinVar variation 1449979 (VCV001449979.5), dbSNP rs199503199, ClinGen allele CA6967290.
Genomic context (GRCh38, chr13:42,606,719, plus strand): 5'-CTACAGAGTATCTTCAACTAATGGTGTACGTCACTAAAACCAGCATCAAAATCCCAAGTT[C>T]TCATACCCTGATGAAAGGAGGAAGCACCAAGTATTGGTCAGGGAATTCTGAATTCCATTT-3'
Protein context (NP_003692.1, residues 242-262): VTKTSIKIPS[Ser252Phe]HTLMKGGSTK